The following is an entry in ClinVar:

ClinVar aggregate classification (germline): Pathogenic (1 of 4 stars; one submission).

Conditions:
Tooth agenesis, selective, 4 (STHAG4). Also called: LATERAL INCISORS, ABSENCE OF; LATERAL INCISORS, PEGGED OR MISSING; SUCCEDANEOUS TEETH, AGENESIS OF; TOOTH AGENESIS, SELECTIVE, 4, WITH OR WITHOUT ECTODERMAL DYSPLASIA. Identifiers: Orphanet 99798, MedGen C1835492, MONDO:0007881, OMIM 150400. Disease mechanism: loss of function.
Odonto-onycho-dermal dysplasia. Identifiers: Orphanet 2721, MedGen C0796093, MONDO:0009773, OMIM 257980.

Submission:

Labcorp Genetics (formerly Invitae), Labcorp
Classification: Pathogenic for Tooth agenesis, selective, 4; Odonto-onycho-dermal dysplasia. Last evaluated: 2019-12-27. Review status: criteria provided, single submitter. Criteria: Invitae Variant Classification Sherloc (09022015). Collection method: clinical testing. Allele origin: germline.
Comment: This variant is not present in population databases (ExAC no frequency). For these reasons, this variant has been classified as Pathogenic. This variant disrupts the C-terminus of the WNT10A protein. Other variant(s) that disrupt this region (p.Glu390*) have been determined to be pathogenic (PMID: 24902757). This suggests that variants that disrupt this region of the protein are likely to be causative of disease. This variant has not been reported in the literature in individuals with WNT10A-related conditions. This sequence change results in a premature translational stop signal in the WNT10A gene (p.Ser389Phefs*39). While this is not anticipated to result in nonsense mediated decay, it is expected to disrupt the last 29 amino acids of the WNT10A protein.

Literature cited by the submitters: PubMed 24902757.

NM_025216.3(WNT10A):c.1165_1178delinsTTCCAGCACAACATC (p.Ser389fs)

Gene: WNT10A (Wnt family member 10A; plus strand). Cytogenetic location: 2q35.
Variant type: Indel.
Coding change: c.1165_1178delinsTTCCAGCACAACATC on transcript NM_025216.3 (MANE Select); coding-DNA positions 1165 to 1178, AGCGAGCGCTGCCA replaced by TTCCAGCACAACATC.
Protein change: p.Ser389fs; shifts the reading frame from serine 389.
Molecular consequence: frameshift variant.
Genome position (GRCh38, 1-based): chr2:218,893,182-218,893,195, AGCGAGCGCTGCCA replaced by TTCCAGCACAACATC. VCF-style: chr2-218893182-AGCGAGCGCTGCCA-TTCCAGCACAACATC. GRCh37 (hg19) VCF-style: chr2-219757904-AGCGAGCGCTGCCA-TTCCAGCACAACATC.
Other names: short protein forms S389fs.
Identifiers: ClinVar variation 966598 (VCV000966598.6), dbSNP rs1944678383, ClinGen allele CA1139657705.